The following is an entry in ClinVar:

ClinVar aggregate classification (germline): Likely benign. Review status: criteria provided, multiple submitters, no conflicts (2 of 4 stars). 2 submissions from 2 submitters: Likely benign (2). Last evaluated 2025-12-21.

Conditions:
RHO-related disorder. Also called: RHO-related condition.

Allele frequency attached by ClinVar (database versions not stated): gnomAD 0.00001; TOPMed 0.00001; ExAC 0.00002; gnomAD exomes 0.00002.

Submissions (2):

PreventionGenetics, part of Exact Sciences
Classification: Likely benign for RHO-related condition. Last evaluated: 2025-12-21. Review status: criteria provided, single submitter. Criteria: ACMG Guidelines, 2015. Collection method: clinical testing. Allele origin: germline.
Comment: This variant is classified as likely benign based on ACMG/AMP sequence variant interpretation guidelines (Richards et al. 2015 PMID: 25741868, with internal and published modifications).

Labcorp Genetics (formerly Invitae), Labcorp
Classification: Likely benign. Last evaluated: 2023-09-20. Review status: criteria provided, single submitter. Criteria: Invitae Variant Classification Sherloc (09022015). Collection method: clinical testing. Allele origin: germline.

NM_000539.3(RHO):c.1008C>T (p.Thr336=)

Gene: RHO (rhodopsin; plus strand). Cytogenetic location: 3q22.1.
Variant type: single nucleotide variant.
Coding change: c.1008C>T on transcript NM_000539.3 (MANE Select); coding-DNA position 1008, C replaced by T.
Protein change: p.Thr336=; no amino-acid change (threonine 336 retained).
Molecular consequence: synonymous variant.
Genome position (GRCh38, 1-based): chr3:129,533,679, C>T. VCF-style: chr3-129533679-C-T. GRCh37 (hg19) VCF-style: chr3-129252522-C-T.
Identifiers: ClinVar variation 1911466 (VCV001911466.6), dbSNP rs766275471, ClinGen allele CA2607358.
Genomic context (GRCh38, chr3:129,533,679, plus strand): 5'-CATGCTCACCACCATCTGCTGCGGCAAGAACCCACTGGGTGACGATGAGGCCTCTGCTAC[C>T]GTGTCCAAGACGGAGACGAGCCAGGTGGCCCCGGCCTAAGACCTGCCTAGGACTCTGTGG-3'
Protein context (NP_000530.1, residues 326-346): NPLGDDEASA[Thr336=]VSKTETSQVA